The following is an entry in ClinVar:

ClinVar aggregate classification (germline): Uncertain significance. Review status: criteria provided, multiple submitters, no conflicts (2 of 4 stars). 2 submissions from 2 submitters: Uncertain significance (2). Last evaluated 2026-06-27.

Conditions:
SH2B1-related disorder. Also called: SH2B1-related condition.

Allele frequency attached by ClinVar (database versions not stated): ExAC 0.00003; gnomAD exomes 0.00003; ESP Exome Variant Server 0.00008; gnomAD 0.00030; 1000 Genomes Project 30x 0.00031; TOPMed 0.00075.
gnomAD v4.1: 101 of 1,613,308 alleles (0.0063%); highest among the groups gnomAD compares: Admixed American, 0.083%; 2 homozygotes.

Submissions (2):

PreventionGenetics, part of Exact Sciences
Classification: Uncertain significance for SH2B1-related condition. Last evaluated: 2026-06-27. Review status: criteria provided, single submitter. Criteria: ACMG Guidelines, 2015. Collection method: clinical testing. Allele origin: germline.
Comment: The SH2B1 c.1028C>T variant is predicted to result in the amino acid substitution p.Thr343Met. This variant has been reported in individuals with obesity (Melendez-Montanez and De Jesus-Rojas. 2024. PubMed ID: 38674329). It was found to cause an increase of expression of selected transcripts in cell culture; however, the significance of these results is not well-established (Giuranna et al. 2018. PubMed ID: 29631267). This variant is reported in 0.048% of alleles in individuals of African descent in gnomAD. At this time, the clinical significance of this variant is uncertain due to the absence of conclusive functional and genetic evidence.

Labcorp Genetics (formerly Invitae), Labcorp
Classification: Uncertain significance. Last evaluated: 2025-01-28. Review status: criteria provided, single submitter. Criteria: Invitae Variant Classification Sherloc (09022015). Collection method: clinical testing. Allele origin: germline.
Comment: This sequence change replaces threonine, which is neutral and polar, with methionine, which is neutral and non-polar, at codon 343 of the SH2B1 protein (p.Thr343Met). This variant is present in population databases (rs139298340, gnomAD 0.05%). This variant has not been reported in the literature in individuals affected with SH2B1-related conditions. ClinVar contains an entry for this variant (Variation ID: 2628482). An algorithm developed to predict the effect of missense changes on protein structure and function (PolyPhen-2) suggests that this variant is likely to be disruptive. Experimental studies have shown that this missense change affects SH2B1 function (PMID: 29631267). In summary, the available evidence is currently insufficient to determine the role of this variant in disease. Therefore, it has been classified as a Variant of Uncertain Significance.

Literature cited by the submitters: PubMed 29631267 (cited by Labcorp Genetics (formerly Invitae), Labcorp).

NM_001387430.1(SH2B1):c.1028C>T (p.Thr343Met)

Gene: SH2B1 (SH2B adaptor protein 1; plus strand). Cytogenetic location: 16p11.2.
Variant type: single nucleotide variant.
Coding change: c.1028C>T on transcript NM_001387430.1 (MANE Select); coding-DNA position 1028, C replaced by T.
Protein change: p.Thr343Met; replaces threonine 343 with methionine.
Molecular consequence: missense variant.
Genome position (GRCh38, 1-based): chr16:28,867,419, C>T. VCF-style: chr16-28867419-C-T. GRCh37 (hg19) VCF-style: chr16-28878740-C-T.
Other names: c.1028C>T, p.Thr343Met (NM_001145795.2, NM_001145796.2, NM_001145797.2 and 4 more transcripts); c.20C>T, p.Thr7Met (NM_001308294.2); short protein forms T343M, T7M.
Identifiers: ClinVar variation 2628482 (VCV002628482.7), dbSNP rs139298340, ClinGen allele CA7986063.